The following is an entry in ClinVar:

NM_000553.6(WRN):c.1720+1G>T

Gene: WRN (WRN RecQ like helicase; plus strand). Cytogenetic location: 8p12.
Variant type: single nucleotide variant.
Coding change: c.1720+1G>T on transcript NM_000553.6 (MANE Select); the canonical splice donor site of the intron after coding-DNA position 1720, G replaced by T.
Molecular consequence: splice donor variant.
Genome position (GRCh38, 1-based): chr8:31,090,533, G>T. VCF-style: chr8-31090533-G-T. GRCh37 (hg19) VCF-style: chr8-30948049-G-T.
Identifiers: ClinVar variation 1958249 (VCV001958249.5), dbSNP rs2535930484, ClinGen allele CA370927181.
Genomic context (GRCh38, chr8:31,090,533, plus strand): 5'-GGAAAGTGATTCATTCAGTATTAGAAGAAAGAAGAGATAATGTTGCTGTCATGGCAACTG[G>T]TAAGTTGTACTTAAGCAAAACCTAATCCTTTAAAAAAATAAAACATAAAGAGTTTGAAAT-3'

ClinVar aggregate classification (germline): Likely pathogenic (1 of 4 stars; one submission).

Conditions:
Werner syndrome (WRN). Identifiers: Orphanet 902, MedGen C0043119, MONDO:0010196, OMIM 277700.

Submission:

Labcorp Genetics (formerly Invitae), Labcorp
Classification: Likely pathogenic for Werner syndrome. Last evaluated: 2022-03-03. Review status: criteria provided, single submitter. Criteria: Invitae Variant Classification Sherloc (09022015). Collection method: clinical testing. Allele origin: germline.
Comment: This sequence change affects a donor splice site in intron 14 of the WRN gene. It is expected to disrupt RNA splicing. Variants that disrupt the donor or acceptor splice site typically lead to a loss of protein function (PMID: 16199547), and loss-of-function variants in WRN are known to be pathogenic (PMID: 16673358). This variant is not present in population databases (gnomAD no frequency). Disruption of this splice site has been observed in individual(s) with clinical features of Werner syndrome (PMID: 27667302). Algorithms developed to predict the effect of sequence changes on RNA splicing suggest that this variant may disrupt the consensus splice site. In summary, the currently available evidence indicates that the variant is pathogenic, but additional data are needed to prove that conclusively. Therefore, this variant has been classified as Likely Pathogenic.

Literature cited by the submitters: PubMed 16199547; PubMed 16673358; PubMed 27667302.